The following is an entry in ClinVar:

NC_000004.11:g.(?_17513553)_(17513677_?)dup

Gene: QDPR (quinoid dihydropteridine reductase; minus strand). Cytogenetic location: 4p15.32.
Variant type: Duplication.
Identifiers: ClinVar variation 1358644 (VCV001358644.4).

ClinVar aggregate classification (germline): Uncertain significance (1 of 4 stars; one submission).

Conditions:
Dihydropteridine reductase deficiency (HPABH4C). Also called: DHPR DEFICIENCY; BH4-Deficient Hyperphenylalaninemia C; Hyperphenylalaninemia due to dihydropteridine reductase deficiency; Hyperphenylalaninemia, BH-4-deficient, C; Phenylketonuria type 2; HYPERPHENYLALANINEMIA, TETRAHYDROBIOPTERIN-DEFICIENT, DUE TO DHPR DEFICIENCY. Identifiers: Orphanet 226, Orphanet 238583, MedGen C0268465, MONDO:0009862, OMIM 261630.

Submission:

Labcorp Genetics (formerly Invitae), Labcorp
Classification: Uncertain significance for Dihydropteridine reductase deficiency. Last evaluated: 2021-03-26. Review status: criteria provided, single submitter. Criteria: Invitae Variant Classification Sherloc (09022015). Collection method: clinical testing. Allele origin: germline.
Comment: In summary, the available evidence is currently insufficient to determine the role of this variant in disease. Therefore, it has been classified as a Variant of Uncertain Significance. This variant has not been reported in the literature in individuals with QDPR-related conditions. This variant results in a copy number gain of the genomic region encompassing exon(s) 1 of the QDPR gene. This region includes the initiator codon of the gene. The 5' end of this event is unknown as it extends beyond the assayed region for this gene and therefore may encompass additional genes. The 3' boundary is likely confined to intron 1 of the QDPR gene. As the precise location of this event is unknown, it may be in tandem or it may be located elsewhere in the genome.